The following is an entry in ClinVar:

NM_000535.7(PMS2):c.1111_1112del (p.Asn371fs)

Gene: PMS2 (PMS1 homolog 2, mismatch repair system component; minus strand). Cytogenetic location: 7p22.1.
Variant type: Deletion.
Coding change: c.1111_1112del on transcript NM_000535.7 (MANE Select); coding-DNA positions 1111 to 1112, 2 bases deleted (AA; older notation c.1111_1112delAA).
Protein change: p.Asn371fs; shifts the reading frame from asparagine 371.
Molecular consequence: frameshift variant. On other transcripts: non-coding transcript variant (1), intron variant (2).
Genome position (GRCh38, 1-based): chr7:5,989,832-5,989,833, TT deleted on the plus strand (AA on the coding strand, the reverse complement: PMS2 is on the minus strand); deleting any 2 consecutive bases within chr7:5,989,832-5,989,834 gives the same sequence; the c. name uses the placement nearest the transcript's 3' end. VCF-style (leftmost placement, unchanged base first): chr7-5989831-ATT-A. GRCh37 (hg19) VCF-style: chr7-6029462-ATT-A.
Other names: c.706_707del, p.Asn236fs (NM_001322003.2, NM_001322004.2, NM_001322005.2 and 1 more transcripts); c.793_794del, p.Asn265fs (NM_001322007.2, NM_001322008.2); c.178_179del, p.Asn60fs (NM_001322011.2, NM_001322012.2); c.538_539del, p.Asn180fs (NM_001322013.2); c.1111_1112del, p.Asn371fs (NM_001322014.2); c.802_803del, p.Asn268fs (NM_001322015.2); c.583+2140_583+2141del (NM_001322010.2); c.988+2140_988+2141del (NM_001322006.2); short protein forms N268fs, N180fs, N265fs, N60fs, N236fs, N371fs.
Identifiers: ClinVar variation 822197 (VCV000822197.14), dbSNP rs1583334346, ClinGen allele CA915944872.

ClinVar aggregate classification (germline): Pathogenic/Likely pathogenic. Review status: criteria provided, multiple submitters, no conflicts (2 of 4 stars). 4 submissions from 4 submitters: Pathogenic (3); Likely pathogenic (1). Last evaluated 2025-08-23.

Conditions:
Hereditary nonpolyposis colorectal neoplasms. Identifiers: MedGen C0009405, MeSH D003123.
Hereditary cancer-predisposing syndrome. Also called: Tumor predisposition; Hereditary Cancer Syndrome; Neoplastic Syndromes, Hereditary; Hereditary neoplastic syndrome. Identifiers: Orphanet 140162, MedGen C0027672, MeSH D009386, MONDO:0015356.
Lynch syndrome 4 (LYNCH4). Also called: Colorectal cancer, hereditary nonpolyposis, type 4; Hereditary non-polyposis colorectal cancer, type 4. Identifiers: Orphanet 144, MedGen C1838333, MONDO:0013699, OMIM 614337. Disease mechanism: loss of function.

Submissions (4):

Ambry Genetics
Classification: Pathogenic for Hereditary cancer-predisposing syndrome. Last evaluated: 2025-08-23. Review status: criteria provided, single submitter. Criteria: Ambry Variant Classification Scheme 2023. Collection method: clinical testing. Allele origin: germline.
Comment: The c.1111_1112delAA pathogenic mutation, located in coding exon 10 of the PMS2 gene, results from a deletion of two nucleotides at nucleotide positions 1111 to 1112, causing a translational frameshift with a predicted alternate stop codon (p.N371Cfs*10). This variant is considered to be rare based on population cohorts in the Genome Aggregation Database (gnomAD). This alteration is expected to result in loss of function by premature protein truncation or nonsense-mediated mRNA decay. As such, this alteration is interpreted as a disease-causing mutation.

Myriad Genetics, Inc.
Classification: Pathogenic for Lynch syndrome 4. Last evaluated: 2023-09-20. Review status: criteria provided, single submitter. Criteria: Myriad Autosomal Dominant, Autosomal Recessive and X-Linked Classification Criteria (2023). Collection method: clinical testing. Allele origin: unknown.
Comment: This variant is considered pathogenic. This variant creates a frameshift predicted to result in premature protein truncation.

Labcorp Genetics (formerly Invitae), Labcorp
Classification: Pathogenic for Hereditary nonpolyposis colorectal neoplasms. Last evaluated: 2023-07-15. Review status: criteria provided, single submitter. Criteria: Invitae Variant Classification Sherloc (09022015). Collection method: clinical testing. Allele origin: germline.
Comment: For these reasons, this variant has been classified as Pathogenic. ClinVar contains an entry for this variant (Variation ID: 822197). This variant has not been reported in the literature in individuals affected with PMS2-related conditions. This variant is not present in population databases (gnomAD no frequency). This sequence change creates a premature translational stop signal (p.Asn371Cysfs*10) in the PMS2 gene. It is expected to result in an absent or disrupted protein product. Loss-of-function variants in PMS2 are known to be pathogenic (PMID: 21376568, 24362816).

Baylor Genetics
Classification: Likely pathogenic for Lynch syndrome 4. Last evaluated: 2022-05-05. Review status: criteria provided, single submitter. Criteria: ACMG Guidelines, 2015. Collection method: clinical testing. Allele origin: unknown.

Literature cited by the submitters: PubMed 21376568 (cited by Labcorp Genetics (formerly Invitae), Labcorp); PubMed 24362816 (cited by Labcorp Genetics (formerly Invitae), Labcorp).